The following is an entry in ClinVar:

NM_000093.5(COL5A1):c.2203dup (p.Gln735fs)

Gene: COL5A1 (collagen type V alpha 1 chain; plus strand). Cytogenetic location: 9q34.3.
Variant type: Duplication.
Coding change: c.2203dup on transcript NM_000093.5 (MANE Select); coding-DNA position 2203, one base duplicated (C; older notation c.2203dupC).
Protein change: p.Gln735fs; shifts the reading frame from glutamine 735.
Molecular consequence: frameshift variant.
Genome position (GRCh38, 1-based): chr9:134,767,325, C duplicated; the last of 5 consecutive C bases (chr9:134,767,321-134,767,325); duplicating any one gives the same sequence. VCF-style (leftmost placement, unchanged base first): chr9-134767320-G-GC. GRCh37 (hg19) VCF-style: chr9-137659166-G-GC.
Other names: c.2203dupC (NM_000093.4); c.2203dup, p.Gln735fs (NM_001278074.1); short protein forms Q735fs.
Identifiers: ClinVar variation 375637 (VCV000375637.4), dbSNP rs1057519596, ClinGen allele CA16044397.

ClinVar aggregate classification (germline): Pathogenic (1 of 4 stars; one submission).

Conditions:
Ehlers-Danlos syndrome, classic type (cEDS). Identifiers: Orphanet 287, MedGen C4225429, MONDO:0007522.

Submission:

Center of Genomic medicine, Geneva, University Hospital of Geneva
Classification: Pathogenic for Ehlers-Danlos syndrome, classic type, 1. Last evaluated: 2016-01-13. Review status: criteria provided, single submitter. Criteria: ACMG Guidelines, 2015. Collection method: clinical testing. Allele origin: de novo. Affected: yes.
Comment: The identified de novo variant in the COL5A1 gene confirms this suspicion.